The following is an entry in ClinVar:

NM_001754.5(RUNX1):c.319C>T (p.Arg107Cys)

Gene: RUNX1 (RUNX family transcription factor 1; minus strand). Cytogenetic location: 21q22.12.
Variant type: single nucleotide variant.
Coding change: c.319C>T on transcript NM_001754.5 (MANE Select); coding-DNA position 319, C replaced by T.
Protein change: p.Arg107Cys; replaces arginine 107 with cysteine.
Molecular consequence: missense variant.
Genome position (GRCh38, 1-based): chr21:34,886,875, G>A on the plus strand (C>T on the coding strand, the complement: RUNX1 is on the minus strand). VCF-style: chr21-34886875-G-A. GRCh37 (hg19) VCF-style: chr21-36259172-G-A.
Other names: NM_001754.5(RUNX1):c.319C>T; p.Arg107Cys; c.238C>T, p.Arg80Cys (NM_001001890.3, NM_001122607.2); short protein forms R107C, R80C.
Identifiers: ClinVar variation 1338536 (VCV001338536.12), dbSNP rs2057998063, ClinGen allele CA410203489.

ClinVar aggregate classification (germline): Likely pathogenic. Review status: reviewed by expert panel (3 of 4 stars). 4 submissions from 4 submitters: Likely pathogenic (1). 3 of the submissions do not count toward it. Last evaluated 2026-10-05.

Conditions:
Hereditary thrombocytopenia and hematologic cancer predisposition syndrome. Identifiers: Orphanet 71290, MedGen CN281654, MONDO:0011071.
Hereditary thrombocytopenia and hematological cancer predisposition syndrome associated with RUNX1. Also called: Familial Platelet Disorder with Propensity to Acute Myelogenous Leukemia; Familial thrombocytopenia with propensity to acute myelogenous leukemia; RUNX1 Familial Platelet Disorder with Associated Myeloid Malignancies; PLATELET DISORDER, ASPIRIN-LIKE. Identifiers: Orphanet 71290, MedGen C1832388, MeSH C563324, MONDO:0100083, OMIM 601399.

Submissions (4):

ClinGen Myeloid Malignancy Variant Curation Expert Panel
Classification: Likely pathogenic for Hereditary thrombocytopenia and hematologic cancer predisposition syndrome. Last evaluated: 2026-10-05. Review status: reviewed by expert panel. Criteria: ClinGen MyeloMalig ACMG Specifications V3.1. Collection method: curation. Allele origin: germline. Inheritance: Autosomal dominant inheritance.
Comment: NM_001754.5(RUNX1):c.319C>T (p.Arg107Cys) is a missense variant which affects one of the hotspot residues (Arg107) within the RHD (amino acids 89-204; PM1_Strong). This variant has a REVEL score ≥ 0.88 (0.98) (PP3) and is completely absent from all population databases with at least 20x coverage for RUNX1 (PM2_Supporting). Data from two secondary assays demonstrated altered DNA binding and a >5 fold decrease in CBFβ binding (PS3_Moderate; PMID: 17290219). In summary, this variant meets the criteria to be classified as likely pathogenic. ACMG/AMP criteria applied, as specified by the Myeloid Malignancy Variant Curation Expert Panel for RUNX1: PM1_Strong, PP3, PM2_Supporting, PS3_Moderate.

Labcorp Genetics (formerly Invitae), Labcorp
Classification: Uncertain significance for Hereditary thrombocytopenia and hematological cancer predisposition syndrome associated with RUNX1. Last evaluated: 2025-10-22. Review status: criteria provided, single submitter. Criteria: Invitae Variant Classification Sherloc (09022015). Collection method: clinical testing. Allele origin: germline. Not counted in ClinVar's aggregate classification.
Comment: This sequence change replaces arginine, which is basic and polar, with cysteine, which is neutral and slightly polar, at codon 107 of the RUNX1 protein (p.Arg107Cys). This variant is not present in population databases (gnomAD no frequency). This variant has not been reported in the literature in individuals affected with RUNX1-related conditions. This variant is also known as R80C. ClinVar contains an entry for this variant (Variation ID: 1338536). Invitae Evidence Modeling of protein sequence and biophysical properties (such as structural, functional, and spatial information, amino acid conservation, physicochemical variation, residue mobility, and thermodynamic stability) has been performed for this missense variant. However, the output from this modeling did not meet the statistical confidence thresholds required to predict the impact of this variant on RUNX1 protein function. Experimental studies have shown that this missense change affects RUNX1 function (PMID: 10068652, 25840971). In summary, the available evidence is currently insufficient to determine the role of this variant in disease. Therefore, it has been classified as a Variant of Uncertain Significance.

GeneDx
Classification: Uncertain significance. Last evaluated: 2025-03-25. Review status: criteria provided, single submitter. Criteria: GeneDx Variant Classification Process June 2021. Collection method: clinical testing. Allele origin: germline. Affected: yes. Not counted in ClinVar's aggregate classification.
Comment: Not observed at significant frequency in large population cohorts (gnomAD); In silico analysis supports that this missense variant has a deleterious effect on protein structure/function; This variant is associated with the following publications: (PMID: 10068652, 33275713, 32782381, 36848872, Nitschke2023[article], 25840971, 35341804)

Genetic Services Laboratory, University of Chicago
Classification: Likely pathogenic. Last evaluated: 2019-08-05. Review status: criteria provided, single submitter. Criteria: ACMG Guidelines, 2015. Collection method: clinical testing. Allele origin: germline. Affected: yes. Not counted in ClinVar's aggregate classification.
Comment: DNA sequence analysis of the RUNX1 gene demonstrated a sequence change, c.319C>T, in exon 4 that results in an amino acid change, p.Arg107Cys. The p.Arg107Cys change affects a highly conserved amino acid residue located in the RUNT homology domain of the RUNX1 protein that is known to be functional. The p.Arg107Cys substitution appears to be deleterious using several in-silico pathogenicity prediction tools (SIFT, PolyPhen2, CADD, REVEL). The p.Arg107Cys change is absent from population databases such as ExAC and gnomAD. This particular amino acid change does not appear to have been described in the literature in other patients with RUNX1-related disorders; however, a different likely pathogenic sequence change affecting the same amino acid residue (p.Arg107His) has been described in a family with RUNX1-related thrombocytopenia and acute myeloid leukemia (PMID: 27112265). The p.Arg107Cys sequence change, if present in the germline, is the likely cause of the myelodysplastic syndrome (MDS) phenotype, however functional studies have not been performed to prove this conclusively.

Literature cited by the submitters: PubMed 10068652 (cited by Labcorp Genetics (formerly Invitae), Labcorp); PubMed 25840971 (cited by Labcorp Genetics (formerly Invitae), Labcorp).